The following is an entry in ClinVar:

NM_003803.4(MYOM1):c.270C>A (p.Tyr90Ter)

Gene: MYOM1 (myomesin 1; minus strand). Cytogenetic location: 18p11.31.
Variant type: single nucleotide variant.
Coding change: c.270C>A on transcript NM_003803.4 (MANE Select); coding-DNA position 270, C replaced by A.
Protein change: p.Tyr90Ter; replaces tyrosine 90 with a stop codon.
Molecular consequence: nonsense.
Genome position (GRCh38, 1-based): chr18:3,214,954, G>T on the plus strand (C>A on the coding strand, the complement: MYOM1 is on the minus strand). VCF-style: chr18-3214954-G-T. GRCh37 (hg19) VCF-style: chr18-3214952-G-T.
Other names: c.270C>A, p.Tyr90Ter (NM_019856.2); short protein forms Y90*.
Identifiers: ClinVar variation 654768 (VCV000654768.6), dbSNP rs1598777961, ClinGen allele CA401717949.

ClinVar aggregate classification (germline): Uncertain significance (1 of 4 stars; one submission).

Conditions:
Hypertrophic cardiomyopathy. Also called: HYPERTROPHIC MYOCARDIOPATHY. Identifiers: Orphanet 217569, MedGen C0007194, MeSH D002312, MONDO:0005045, HP:0001639.

Allele frequency attached by ClinVar (database versions not stated): TOPMed below 0.00001; gnomAD 0.00001.
gnomAD v4.1: 2 of 1,605,194 alleles (0.00012%); highest among the groups gnomAD compares: Admixed American, 0.0017%; no homozygotes.

Submission:

Labcorp Genetics (formerly Invitae), Labcorp
Classification: Uncertain significance for Hypertrophic cardiomyopathy. Last evaluated: 2023-12-11. Review status: criteria provided, single submitter. Criteria: Invitae Variant Classification Sherloc (09022015). Collection method: clinical testing. Allele origin: germline.
Comment: This sequence change creates a premature translational stop signal (p.Tyr90*) in the MYOM1 gene. It is expected to result in an absent or disrupted protein product. However, the current clinical and genetic evidence is not sufficient to establish whether loss-of-function variants in MYOM1 cause disease. This variant is not present in population databases (gnomAD no frequency). This variant has not been reported in the literature in individuals affected with MYOM1-related conditions. ClinVar contains an entry for this variant (Variation ID: 654768). Algorithms developed to predict the effect of sequence changes on RNA splicing suggest that this variant may disrupt the consensus splice site. In summary, the available evidence is currently insufficient to determine the role of this variant in disease. Therefore, it has been classified as a Variant of Uncertain Significance.